The following is an entry in ClinVar:

NM_000051.4(ATM):c.8011-11A>G

Genes: ATM (ATM serine/threonine kinase; plus strand), C11orf65 (chromosome 11 open reading frame 65; minus strand). Cytogenetic location: 11q22.3.
Variant type: single nucleotide variant.
Coding change: c.8011-11A>G on transcript NM_000051.4 (MANE Select); 11 bases into the intron before coding-DNA position 8011, A replaced by G.
Molecular consequence: intron variant.
Genome position (GRCh38, 1-based): chr11:108,334,958, A>G. VCF-style: chr11-108334958-A-G. GRCh37 (hg19) VCF-style: chr11-108205685-A-G.
Other names: c.8011-11A>G (NM_001351834.2); c.641-25887T>C (NM_001330368.2); c.*38+262T>C (NM_001351110.2).
Identifiers: ClinVar variation 3254018 (VCV003254018.1), dbSNP rs2136651354.

ClinVar aggregate classification (germline): Likely benign (1 of 4 stars; one submission).

Conditions:
Familial cancer of breast. Also called: hereditary breast carcinoma; BREAST CANCER, FAMILIAL; Hereditary breast cancer. Identifiers: Orphanet 227535, MedGen C0346153, MONDO:0016419, OMIM 114480. Disease mechanism: loss of function.

Submission:

Myriad Genetics, Inc.
Classification: Likely benign for Familial cancer of breast. Last evaluated: 2024-06-18. Review status: criteria provided, single submitter. Criteria: Myriad Autosomal Dominant, Autosomal Recessive and X-Linked Classification Criteria (2023). Collection method: clinical testing. Allele origin: unknown.
Comment: This variant is considered likely benign. This variant is intronic and is not expected to impact mRNA splicing.